The following is an entry in ClinVar:

NM_183075.3(CYP2U1):c.1575T>G (p.Thr525=)

Gene: CYP2U1 (cytochrome P450 family 2 subfamily U member 1; plus strand). Cytogenetic location: 4q25.
Variant type: single nucleotide variant.
Coding change: c.1575T>G on transcript NM_183075.3 (MANE Select); coding-DNA position 1575, T replaced by G.
Protein change: p.Thr525=; no amino-acid change (threonine 525 retained).
Molecular consequence: synonymous variant.
Genome position (GRCh38, 1-based): chr4:107,950,363, T>G. VCF-style: chr4-107950363-T-G. GRCh37 (hg19) VCF-style: chr4-108871519-T-G.
Other names: p.Thr525=.
Identifiers: ClinVar variation 4684796 (VCV004684796.1).
Genomic context (GRCh38, chr4:107,950,363, plus strand): 5'-GAGCCTAATGCAGAGTTTCGCATTTGCTTTACCTGAGGATTCTAAGAAGCCCCTCCTGAC[T>G]GGAAGATTTGGTCTAACTTTAGCCCCACATCCATTTAATATAACTATTTCAAGGAGATGA-3'
Protein context (NP_898898.1, residues 515-535): LPEDSKKPLL[Thr525=]GRFGLTLAPH

ClinVar aggregate classification (germline): Likely benign (1 of 4 stars; one submission).

Submission:

Mayo Clinic Laboratories, Mayo Clinic
Classification: Likely benign. Last evaluated: 2025-05-19. Review status: criteria provided, single submitter. Criteria: ACMG Guidelines, 2015. Collection method: clinical testing. Allele origin: germline. Observed: 1 variant allele.
Comment: BP4, BP7